The following is an entry in ClinVar:

ClinVar aggregate classification (germline): Conflicting classifications of pathogenicity. Review status: criteria provided, conflicting classifications (1 of 4 stars). 9 submissions from 9 submitters: Uncertain significance (1); Benign (3); Likely benign (4). 1 of the submissions does not count toward it. Last evaluated 2026-06-01.

Conditions:
MYO15A-related disorder. Also called: MYO15A-related condition.
Autosomal recessive nonsyndromic hearing loss 3. Also called: NEUROSENSORY NONSYNDROMIC RECESSIVE DEAFNESS 3. Identifiers: Orphanet 90636, MedGen C1838263, MONDO:0010860, OMIM 600316.

Allele frequency attached by ClinVar (database versions not stated): 1000 Genomes Project 30x 0.00062; 1000 Genomes Project 0.00080; TOPMed 0.00209; gnomAD 0.00264; ESP Exome Variant Server 0.00294.
gnomAD v4.1: 5,074 of 1,593,516 alleles (0.32%); highest among the groups gnomAD compares: Middle Eastern, 0.4%; 13 homozygotes.

Submissions (9):

CeGaT Center for Human Genetics Tuebingen
Classification: Likely benign. Last evaluated: 2026-06-01. Review status: criteria provided, single submitter. Criteria: CeGaT Center For Human Genetics Tuebingen Variant Classification Criteria Version 2. Collection method: clinical testing. Allele origin: germline. Affected: yes. Observed: 6 variant alleles.
Comment: MYO15A: BS2

Labcorp Genetics (formerly Invitae), Labcorp
Classification: Benign. Last evaluated: 2026-01-31. Review status: criteria provided, single submitter. Criteria: Invitae Variant Classification Sherloc (09022015). Collection method: clinical testing. Allele origin: germline.

Blueprint Genetics
Classification: Likely benign. Last evaluated: 2024-11-27. Review status: criteria provided, single submitter. Criteria: ACMG Guidelines, 2015. Collection method: clinical testing. Allele origin: germline.

ARUP Laboratories, Molecular Genetics and Genomics, ARUP Laboratories
Classification: Benign for Autosomal recessive nonsyndromic hearing loss 3. Last evaluated: 2019-12-15. Review status: criteria provided, single submitter. Criteria: ARUP Molecular Germline Variant Investigation Process. Collection method: clinical testing. Allele origin: germline.

GeneDx
Classification: Likely benign. Last evaluated: 2018-06-21. Review status: criteria provided, single submitter. Criteria: GeneDx Variant Classification Process June 2021. Collection method: clinical testing. Allele origin: germline. Affected: yes.

Illumina Laboratory Services, Illumina
Classification: Uncertain significance for Autosomal recessive nonsyndromic hearing loss 3. Last evaluated: 2018-01-12. Review status: criteria provided, single submitter. Criteria: ICSL Variant Classification Criteria 13 December 2019. Collection method: clinical testing. Allele origin: germline.

Eurofins Ntd Llc (ga)
Classification: Likely benign. Last evaluated: 2016-03-28. Review status: criteria provided, single submitter. Criteria: EGL Classification Definitions 2015. Collection method: clinical testing. Allele origin: germline. Observed: 1 variant allele, 1 heterozygote.

Laboratory for Molecular Medicine, Mass General Brigham Personalized Medicine
Classification: Benign. Last evaluated: 2012-04-30. Review status: criteria provided, single submitter. Criteria: LMM Criteria. Collection method: clinical testing. Allele origin: germline. Observed: 8 variant alleles.
Comment: 4779+9G>A in Intron 15 of MYO15A: This variant is not expected to have clinical significance because it is not located within the conserved splice consensus seq uence and has been identified in 0.4% (27/6820) of European American chromosomes from a broad population by the NHLBI Exome Sequencing Project.

PreventionGenetics, part of Exact Sciences
Classification: Likely benign for MYO15A-related condition. Last evaluated: 2019-09-19. Review status: no assertion criteria provided. Collection method: clinical testing. Allele origin: germline. Not counted in ClinVar's aggregate classification.
Comment: This variant is classified as likely benign based on ACMG/AMP sequence variant interpretation guidelines (Richards et al. 2015 PMID: 25741868, with internal and published modifications).

NM_016239.4(MYO15A):c.4779+9G>A

Gene: MYO15A (myosin XVA; plus strand). Cytogenetic location: 17p11.2.
Variant type: single nucleotide variant.
Coding change: c.4779+9G>A on transcript NM_016239.4 (MANE Select); 9 bases into the intron after coding-DNA position 4779, G replaced by A.
Molecular consequence: intron variant.
Genome position (GRCh38, 1-based): chr17:18,136,695, G>A. VCF-style: chr17-18136695-G-A. GRCh37 (hg19) VCF-style: chr17-18040009-G-A.
Identifiers: ClinVar variation 45747 (VCV000045747.63), dbSNP rs183256997, ClinGen allele CA136991.
Genomic context (GRCh38, chr17:18,136,695, plus strand): 5'-CCCAAGGCAGGACACACTGTCCATCGCCATCCTGGACATCTATGGTTTCGAGGTGGGGCC[G>A]TGTAGGAGGCTGAGGGGCGGGGGACATAGGCAAGGTCTCGCCTCCCTCAGGCGTCTCGGG-3'